The following is an entry in ClinVar:

NM_016239.4(MYO15A):c.3965C>T (p.Thr1322Ile)

Gene: MYO15A (myosin XVA; plus strand). Cytogenetic location: 17p11.2.
Variant type: single nucleotide variant.
Coding change: c.3965C>T on transcript NM_016239.4 (MANE Select); coding-DNA position 3965, C replaced by T.
Protein change: p.Thr1322Ile; replaces threonine 1322 with isoleucine.
Molecular consequence: missense variant.
Genome position (GRCh38, 1-based): chr17:18,127,098, C>T. VCF-style: chr17-18127098-C-T. GRCh37 (hg19) VCF-style: chr17-18030412-C-T.
Other names: short protein forms T1322I.
Identifiers: ClinVar variation 3370462 (VCV003370462.1).
Genomic context (GRCh38, chr17:18,127,098, plus strand): 5'-AAAGGTTGGAGCTCACTCTGCCCCTTTGCTCGGTCAGTGGAGAGAGCGGCTCTGGCAAAA[C>T]TGAGGCCACCAAGCTGATTCTGCGCTACCTGGCCGCCATGAACCAGAAACGGGAGGTCAT-3'
Protein context (NP_057323.3, residues 1312-1332): IISGESGSGK[Thr1322Ile]EATKLILRYL

ClinVar aggregate classification (germline): Likely pathogenic (1 of 4 stars; one submission).

Conditions:
Autosomal recessive nonsyndromic hearing loss 3. Also called: NEUROSENSORY NONSYNDROMIC RECESSIVE DEAFNESS 3. Identifiers: Orphanet 90636, MedGen C1838263, MONDO:0010860, OMIM 600316.

Submission:

ENT and Head and Neck Research Center and Department,  The Five Senses Health Institute, Iran University of Medical Sciences
Classification: Likely pathogenic for Autosomal recessive nonsyndromic hearing loss 3. Last evaluated: 2024-11-02. Review status: criteria provided, single submitter. Criteria: ClinGen HL ACMG Specifications v1. Collection method: clinical testing. Allele origin: germline. Affected: yes.
Comment: PP3: MetaRNN = 0.974 is greater than 0.939 ⇒ strong pathogenic., PM2: Variant not found in gnomAD genomes, good gnomAD genomes coverage = 31.4, PM1: UniProt protein MYO15_HUMAN binding site 'Other binding site_1315-1322' has 4 missense/in-frame variants (2 pathogenic variants, 2 uncertain variants and no benign), which qualifies as moderate pathogenic.UniProt protein MYO15_HUMAN domain 'Myosin motor' has 205 missense/in-frame variants (36 pathogenic variants, 161 uncertain variants and 8 benign variants), which qualifies as supporting pathogenic., PP1: Segregation in one affected relative for recessive

Literature cited by the submitters: DOI 10.1038/s41598-025-99417-7.